The following is an entry in ClinVar:

ClinVar aggregate classification (germline): Uncertain significance (1 of 4 stars; one submission).

Conditions:
Nemaline myopathy 2 (NEM2). Also called: Nemaline myopathy 2, autosomal recessive. Identifiers: MedGen C1850569, MONDO:0009725, OMIM 256030.

Allele frequency attached by ClinVar (database versions not stated): gnomAD exomes below 0.00001; ExAC 0.00002.
gnomAD v4.1: 1 of 1,613,814 alleles (0.000062%); highest among the groups gnomAD compares: South Asian, 0.0011%; no homozygotes.

Submission:

Labcorp Genetics (formerly Invitae), Labcorp
Classification: Uncertain significance for Nemaline myopathy 2. Last evaluated: 2021-10-05. Review status: criteria provided, single submitter. Criteria: Invitae Variant Classification Sherloc (09022015). Collection method: clinical testing. Allele origin: germline.
Comment: This sequence change replaces asparagine with lysine at codon 604 of the NEB protein (p.Asn604Lys). The asparagine residue is weakly conserved and there is a moderate physicochemical difference between asparagine and lysine. This variant is present in population databases (rs772151546, ExAC 0.01%). This variant has not been reported in the literature in individuals affected with NEB-related conditions. Algorithms developed to predict the effect of missense changes on protein structure and function are either unavailable or do not agree on the potential impact of this missense change (SIFT: "Deleterious"; PolyPhen-2: "Not Available"; Align-GVGD: "Class C0"). In summary, the available evidence is currently insufficient to determine the role of this variant in disease. Therefore, it has been classified as a Variant of Uncertain Significance.

NM_001164508.2(NEB):c.1812C>A (p.Asn604Lys)

Gene: NEB (nebulin; minus strand). Cytogenetic location: 2q23.3.
Variant type: single nucleotide variant.
Coding change: c.1812C>A on transcript NM_001164508.2 (MANE Select); coding-DNA position 1812, C replaced by A.
Protein change: p.Asn604Lys; replaces asparagine 604 with lysine.
Molecular consequence: missense variant.
Genome position (GRCh38, 1-based): chr2:151,694,407, G>T on the plus strand (C>A on the coding strand, the complement: NEB is on the minus strand). VCF-style: chr2-151694407-G-T. GRCh37 (hg19) VCF-style: chr2-152550921-G-T.
Other names: c.1812C>A, p.Asn604Lys (NM_001164507.2, NM_001271208.2, NM_004543.5); short protein forms N604K.
Identifiers: ClinVar variation 1408178 (VCV001408178.3), dbSNP rs772151546, ClinGen allele CA1911436.